The following is an entry in ClinVar:

NM_005534.4(IFNGR2):c.706G>A (p.Glu236Lys)

Gene: IFNGR2 (interferon gamma receptor 2; plus strand). Cytogenetic location: 21q22.11.
Variant type: single nucleotide variant.
Coding change: c.706G>A on transcript NM_005534.4 (MANE Select); coding-DNA position 706, G replaced by A.
Protein change: p.Glu236Lys; replaces glutamic acid 236 with lysine.
Molecular consequence: missense variant.
Genome position (GRCh38, 1-based): chr21:33,432,321, G>A. VCF-style: chr21-33432321-G-A. GRCh37 (hg19) VCF-style: chr21-34804628-G-A.
Other names: c.763G>A, p.Glu255Lys (NM_001329128.2); short protein forms E236K, E255K.
Identifiers: ClinVar variation 2198238 (VCV002198238.4), dbSNP rs756695934, ClinGen allele CA10006996.

ClinVar aggregate classification (germline): Conflicting classifications of pathogenicity. Review status: criteria provided, conflicting classifications (1 of 4 stars). 2 submissions from 2 submitters: Uncertain significance (1); Likely benign (1). Last evaluated 2024-12-03.

Conditions:
Immunodeficiency 28 (IMD28). Also called: IFNGR2 DEFICIENCY. Identifiers: Orphanet 319547, Orphanet 319574, MedGen C4013947, MONDO:0013953, OMIM 614889.

Allele frequency attached by ClinVar (database versions not stated): gnomAD 0.00001; ExAC 0.00002; TOPMed 0.00002; gnomAD exomes 0.00005.
gnomAD v4.1: 75 of 1,613,862 alleles (0.0046%); highest among the groups gnomAD compares: Non-Finnish European, 0.006%; no homozygotes.

Submissions (2):

Labcorp Genetics (formerly Invitae), Labcorp
Classification: Uncertain significance for Immunodeficiency 28. Last evaluated: 2024-12-03. Review status: criteria provided, single submitter. Criteria: Invitae Variant Classification Sherloc (09022015). Collection method: clinical testing. Allele origin: germline.
Comment: This sequence change replaces glutamic acid, which is acidic and polar, with lysine, which is basic and polar, at codon 236 of the IFNGR2 protein (p.Glu236Lys). This variant is present in population databases (rs756695934, gnomAD 0.006%). This variant has not been reported in the literature in individuals affected with IFNGR2-related conditions. ClinVar contains an entry for this variant (Variation ID: 2198238). Invitae Evidence Modeling of protein sequence and biophysical properties (such as structural, functional, and spatial information, amino acid conservation, physicochemical variation, residue mobility, and thermodynamic stability) indicates that this missense variant is not expected to disrupt IFNGR2 protein function with a negative predictive value of 80%. In summary, the available evidence is currently insufficient to determine the role of this variant in disease. Therefore, it has been classified as a Variant of Uncertain Significance.

Blueprint Genetics
Classification: Likely benign. Last evaluated: 2024-09-18. Review status: criteria provided, single submitter. Criteria: ACMG Guidelines, 2015. Collection method: clinical testing. Allele origin: germline.